The following is an entry in ClinVar:

NM_022124.6(CDH23):c.7705C>T (p.Arg2569Trp)

Gene: CDH23 (cadherin related 23; plus strand). Cytogenetic location: 10q22.1.
Variant type: single nucleotide variant.
Coding change: c.7705C>T on transcript NM_022124.6 (MANE Select); coding-DNA position 7705, C replaced by T.
Protein change: p.Arg2569Trp; replaces arginine 2569 with tryptophan.
Molecular consequence: missense variant.
Genome position (GRCh38, 1-based): chr10:71,803,253, C>T. VCF-style: chr10-71803253-C-T. GRCh37 (hg19) VCF-style: chr10-73563010-C-T.
Other names: c.985C>T, p.Arg329Trp (NM_001171933.1, NM_001171934.1); short protein forms R2569W, R329W.
Identifiers: ClinVar variation 1961125 (VCV001961125.2), dbSNP rs1282822628, ClinGen allele CA377161163.

ClinVar aggregate classification (germline): Uncertain significance (1 of 4 stars; one submission).

gnomAD v4.1: 3 of 1,598,042 alleles (0.00019%); highest among the groups gnomAD compares: South Asian, 0.0022%; no homozygotes.

Submission:

Labcorp Genetics (formerly Invitae), Labcorp
Classification: Uncertain significance. Last evaluated: 2021-12-19. Review status: criteria provided, single submitter. Criteria: Invitae Variant Classification Sherloc (09022015). Collection method: clinical testing. Allele origin: germline.
Comment: This sequence change replaces arginine, which is basic and polar, with tryptophan, which is neutral and slightly polar, at codon 2569 of the CDH23 protein (p.Arg2569Trp). The frequency data for this variant in the population databases is considered unreliable, as metrics indicate poor data quality at this position in the gnomAD database. This variant has not been reported in the literature in individuals affected with CDH23-related conditions. Algorithms developed to predict the effect of missense changes on protein structure and function are either unavailable or do not agree on the potential impact of this missense change (SIFT: "Deleterious"; PolyPhen-2: "Not Available"; Align-GVGD: "Class C0"). In summary, the available evidence is currently insufficient to determine the role of this variant in disease. Therefore, it has been classified as a Variant of Uncertain Significance.